The following is an entry in ClinVar:

NM_004963.4(GUCY2C):c.1715T>C (p.Val572Ala)

Gene: GUCY2C (guanylate cyclase 2C; minus strand). Cytogenetic location: 12p12.3.
Variant type: single nucleotide variant.
Coding change: c.1715T>C on transcript NM_004963.4 (MANE Select); coding-DNA position 1715, T replaced by C.
Protein change: p.Val572Ala; replaces valine 572 with alanine.
Molecular consequence: missense variant.
Genome position (GRCh38, 1-based): chr12:14,645,311, A>G on the plus strand (T>C on the coding strand, the complement: GUCY2C is on the minus strand). VCF-style: chr12-14645311-A-G. GRCh37 (hg19) VCF-style: chr12-14798245-A-G.
Other names: short protein forms V572A.
Identifiers: ClinVar variation 2751089 (VCV002751089.3), dbSNP rs2497693877, ClinGen allele CA383987093.

ClinVar aggregate classification (germline): Uncertain significance (1 of 4 stars; one submission).

Submission:

Labcorp Genetics (formerly Invitae), Labcorp
Classification: Uncertain significance. Last evaluated: 2023-08-07. Review status: criteria provided, single submitter. Criteria: Invitae Variant Classification Sherloc (09022015). Collection method: clinical testing. Allele origin: germline.
Comment: In summary, the available evidence is currently insufficient to determine the role of this variant in disease. Therefore, it has been classified as a Variant of Uncertain Significance. Advanced modeling of protein sequence and biophysical properties (such as structural, functional, and spatial information, amino acid conservation, physicochemical variation, residue mobility, and thermodynamic stability) performed at Invitae indicates that this missense variant is expected to disrupt GUCY2C protein function. This variant has not been reported in the literature in individuals affected with GUCY2C-related conditions. This variant is not present in population databases (gnomAD no frequency). This sequence change replaces valine, which is neutral and non-polar, with alanine, which is neutral and non-polar, at codon 572 of the GUCY2C protein (p.Val572Ala).